The following is an entry in ClinVar:

ClinVar aggregate classification (germline): Uncertain significance. Review status: criteria provided, multiple submitters, no conflicts (2 of 4 stars). 2 submissions from 2 submitters: Uncertain significance (2). Last evaluated 2025-08-30.

gnomAD v4.1: 12 of 1,613,842 alleles (0.00074%); highest among the groups gnomAD compares: Non-Finnish European, 0.001%; no homozygotes.

Submissions (2):

Ambry Genetics
Classification: Uncertain significance. Last evaluated: 2025-08-30. Review status: criteria provided, single submitter. Criteria: Ambry Variant Classification Scheme 2023. Collection method: clinical testing. Allele origin: germline.

Labcorp Genetics (formerly Invitae), Labcorp
Classification: Uncertain significance. Last evaluated: 2025-05-06. Review status: criteria provided, single submitter. Criteria: Invitae Variant Classification Sherloc (09022015). Collection method: clinical testing. Allele origin: germline.
Comment: This sequence change replaces alanine, which is neutral and non-polar, with proline, which is neutral and non-polar, at codon 231 of the RFWD3 protein (p.Ala231Pro). This variant is present in population databases (rs770295734, gnomAD 0.004%). This variant has not been reported in the literature in individuals affected with RFWD3-related conditions. An algorithm developed to predict the effect of missense changes on protein structure and function outputs the following: PolyPhen-2: "Benign". The proline amino acid residue is found in multiple mammalian species, which suggests that this missense change does not adversely affect protein function. In summary, the available evidence is currently insufficient to determine the role of this variant in disease. Therefore, it has been classified as a Variant of Uncertain Significance.

NM_018124.4(RFWD3):c.691G>C (p.Ala231Pro)

Gene: RFWD3 (ring finger and WD repeat domain 3; minus strand). Cytogenetic location: 16q23.1.
Variant type: single nucleotide variant.
Coding change: c.691G>C on transcript NM_018124.4 (MANE Select); coding-DNA position 691, G replaced by C.
Protein change: p.Ala231Pro; replaces alanine 231 with proline.
Molecular consequence: missense variant. On other transcripts: 5 prime UTR variant (4), intron variant (1).
Genome position (GRCh38, 1-based): chr16:74,651,950, C>G on the plus strand (G>C on the coding strand, the complement: RFWD3 is on the minus strand). VCF-style: chr16-74651950-C-G. GRCh37 (hg19) VCF-style: chr16-74685848-C-G.
Other names: c.691G>C, p.Ala231Pro (NM_001370534.1, NM_001370535.1, NM_001370536.1); c.-318G>C (NM_001370537.1); c.-144G>C (NM_001370540.1); c.-195G>C (NM_001370542.1); c.-73G>C (NM_001370543.1); c.-113-2748G>C (NM_001370539.1); short protein forms A231P.
Identifiers: ClinVar variation 4153176 (VCV004153176.2).